The following is an entry in ClinVar:

ClinVar aggregate classification (germline): Uncertain significance. Review status: criteria provided, multiple submitters, no conflicts (2 of 4 stars). 2 submissions from 2 submitters: Uncertain significance (2). Last evaluated 2025-10-06.

Allele frequency attached by ClinVar (database versions not stated): gnomAD exomes 0.00001 and 0.00003; ExAC 0.00003; gnomAD 0.00003; ESP Exome Variant Server 0.00017.
gnomAD v4.1: 16 of 1,613,236 alleles (0.00099%); highest among the groups gnomAD compares: Admixed American, 0.0067%; no homozygotes.

Submissions (2):

Labcorp Genetics (formerly Invitae), Labcorp
Classification: Uncertain significance. Last evaluated: 2025-10-06. Review status: criteria provided, single submitter. Criteria: Invitae Variant Classification Sherloc (09022015). Collection method: clinical testing. Allele origin: germline.
Comment: This sequence change replaces alanine, which is neutral and non-polar, with valine, which is neutral and non-polar, at codon 442 of the ZCCHC8 protein (p.Ala442Val). This variant is present in population databases (rs375394115, gnomAD 0.008%). This variant has not been reported in the literature in individuals affected with ZCCHC8-related conditions. ClinVar contains an entry for this variant (Variation ID: 1380449). Invitae Evidence Modeling of protein sequence and biophysical properties (such as structural, functional, and spatial information, amino acid conservation, physicochemical variation, residue mobility, and thermodynamic stability) indicates that this missense variant is not expected to disrupt ZCCHC8 protein function with a negative predictive value of 80%. In summary, the available evidence is currently insufficient to determine the role of this variant in disease. Therefore, it has been classified as a Variant of Uncertain Significance.

Ambry Genetics
Classification: Uncertain significance. Last evaluated: 2025-07-16. Review status: criteria provided, single submitter. Criteria: Ambry Variant Classification Scheme 2023. Collection method: clinical testing. Allele origin: germline.

NM_017612.5(ZCCHC8):c.1325C>T (p.Ala442Val)

Gene: ZCCHC8 (zinc finger CCHC-type containing 8; minus strand). Cytogenetic location: 12q24.31.
Variant type: single nucleotide variant.
Coding change: c.1325C>T on transcript NM_017612.5 (MANE Select); coding-DNA position 1325, C replaced by T.
Protein change: p.Ala442Val; replaces alanine 442 with valine.
Molecular consequence: missense variant.
Genome position (GRCh38, 1-based): chr12:122,477,861, G>A on the plus strand (C>T on the coding strand, the complement: ZCCHC8 is on the minus strand). VCF-style: chr12-122477861-G-A. GRCh37 (hg19) VCF-style: chr12-122962408-G-A.
Other names: c.1094C>T, p.Ala365Val (NM_001350935.2); c.1028C>T, p.Ala343Val (NM_001350936.2); c.611C>T, p.Ala204Val (NM_001350937.2, NM_001350938.2); c.1325C>T (NM_017612.3); short protein forms A365V, A204V, A442V, A343V.
Identifiers: ClinVar variation 1380449 (VCV001380449.9), dbSNP rs375394115, ClinGen allele CA6846219.